The following is an entry in ClinVar:

NM_024301.5(FKRP):c.1307G>A (p.Arg436Gln)

Gene: FKRP (fukutin related protein; plus strand). Cytogenetic location: 19q13.32.
Variant type: single nucleotide variant.
Coding change: c.1307G>A on transcript NM_024301.5 (MANE Select); coding-DNA position 1307, G replaced by A.
Protein change: p.Arg436Gln; replaces arginine 436 with glutamine.
Molecular consequence: missense variant.
Genome position (GRCh38, 1-based): chr19:46,756,757, G>A. VCF-style: chr19-46756757-G-A. GRCh37 (hg19) VCF-style: chr19-47260014-G-A.
Other names: c.1307G>A, p.Arg436Gln (NM_001039885.3); short protein forms R436Q.
Identifiers: ClinVar variation 1019247 (VCV001019247.5), dbSNP rs764311774, ClinGen allele CA9532293.

ClinVar aggregate classification (germline): Uncertain significance. Review status: criteria provided, single submitter (1 of 4 stars). 2 submissions from 2 submitters: Uncertain significance (1). 1 of the submissions does not count toward it. Last evaluated 2022-08-19.

Conditions:
Walker-Warburg congenital muscular dystrophy. Also called: Muscular dystrophy-dystroglycanopathy, type A; Walker-Warburg syndrome. Identifiers: Orphanet 899, MedGen C0265221, MONDO:0000171.
Autosomal recessive limb-girdle muscular dystrophy type 2I. Also called: MUSCULAR DYSTROPHY, LIMB-GIRDLE, TYPE 2I; MUSCULAR DYSTROPHY-DYSTROGLYCANOPATHY (LIMB-GIRDLE), TYPE C, 5; MUSCULAR DYSTROPHY-DYSTROGLYCANOPATHY, LIMB-GIRDLE, FRKP-RELATED. Identifiers: Orphanet 34515, MedGen C1846672, MONDO:0011787, OMIM 607155.

Allele frequency attached by ClinVar (database versions not stated): gnomAD exomes below 0.00001; ExAC 0.00001; gnomAD 0.00001.
gnomAD v4.1: 3 of 1,605,536 alleles (0.00019%); highest among the groups gnomAD compares: Non-Finnish European, 0.00025%; no homozygotes.

Submissions (2):

Labcorp Genetics (formerly Invitae), Labcorp
Classification: Uncertain significance for Walker-Warburg congenital muscular dystrophy. Last evaluated: 2022-08-19. Review status: criteria provided, single submitter. Criteria: Invitae Variant Classification Sherloc (09022015). Collection method: clinical testing. Allele origin: germline.
Comment: This sequence change replaces arginine, which is basic and polar, with glutamine, which is neutral and polar, at codon 436 of the FKRP protein (p.Arg436Gln). This variant is not present in population databases (gnomAD no frequency). This variant has not been reported in the literature in individuals affected with FKRP-related conditions. ClinVar contains an entry for this variant (Variation ID: 1019247). Algorithms developed to predict the effect of missense changes on protein structure and function (SIFT, PolyPhen-2, Align-GVGD) all suggest that this variant is likely to be tolerated. In summary, the available evidence is currently insufficient to determine the role of this variant in disease. Therefore, it has been classified as a Variant of Uncertain Significance.

Natera, Inc.
Classification: Uncertain significance for Limb-girdle muscular dystrophy type 2I. Last evaluated: 2020-07-28. Review status: no assertion criteria provided. Collection method: clinical testing. Allele origin: germline. Not counted in ClinVar's aggregate classification.